The following is an entry in ClinVar:

ClinVar aggregate classification (germline): Likely pathogenic (1 of 4 stars; one submission).

Conditions:
Developmental and epileptic encephalopathy, 12 (DEE12). Identifiers: MedGen C3150988, MONDO:0013389, OMIM 613722.

gnomAD v4.1: 1 of 1,614,070 alleles (0.000062%); no homozygotes.

Submission:

Labcorp Genetics (formerly Invitae), Labcorp
Classification: Likely pathogenic for Developmental and epileptic encephalopathy, 12. Last evaluated: 2022-03-15. Review status: criteria provided, single submitter. Criteria: Invitae Variant Classification Sherloc (09022015). Collection method: clinical testing. Allele origin: germline.
Comment: This variant has not been reported in the literature in individuals affected with PNKP-related conditions. Algorithms developed to predict the effect of sequence changes on RNA splicing suggest that this variant may disrupt the consensus splice site. In summary, the currently available evidence indicates that the variant is pathogenic, but additional data are needed to prove that conclusively. Therefore, this variant has been classified as Likely Pathogenic. This sequence change affects an acceptor splice site in intron 2 of the PNKP gene. It is expected to disrupt RNA splicing. Variants that disrupt the donor or acceptor splice site typically lead to a loss of protein function (PMID: 16199547), and loss-of-function variants in PNKP are known to be pathogenic (PMID: 20118933, 25728773). This variant is not present in population databases (gnomAD no frequency).

Literature cited by the submitters: PubMed 16199547; PubMed 20118933; PubMed 25728773.

NM_007254.4(PNKP):c.152-2A>C

Gene: PNKP (polynucleotide kinase 3'-phosphatase; minus strand). Cytogenetic location: 19q13.33.
Variant type: single nucleotide variant.
Coding change: c.152-2A>C on transcript NM_007254.4 (MANE Select); the canonical splice acceptor site of the intron before coding-DNA position 152, A replaced by C.
Molecular consequence: splice acceptor variant.
Genome position (GRCh38, 1-based): chr19:49,866,447, T>G on the plus strand (A>C on the coding strand, the complement: PNKP is on the minus strand). VCF-style: chr19-49866447-T-G. GRCh37 (hg19) VCF-style: chr19-50369704-T-G.
Identifiers: ClinVar variation 2112853 (VCV002112853.4), dbSNP rs766239881, ClinGen allele CA406893237.
Genomic context (GRCh38, chr19:49,866,447, plus strand): 5'-AGGCACTGATACCTGTTTCACTGCCACTGTCCGGGTCTCAGGATCTGCGACCAGCTCCAC[T>G]GAGGATTGGAGGGGTGGAGTCAGGATTTGCATCCTTGTGTGATTGGGTCCCTCATTTCTG-3'